The following is an entry in ClinVar:

NM_001358921.2(COQ2):c.676G>C (p.Gly226Arg)

Gene: COQ2 (coenzyme Q2, polyprenyltransferase; minus strand). Cytogenetic location: 4q21.23.
Variant type: single nucleotide variant.
Coding change: c.676G>C on transcript NM_001358921.2 (MANE Select); coding-DNA position 676, G replaced by C.
Protein change: p.Gly226Arg; replaces glycine 226 with arginine.
Molecular consequence: missense variant.
Genome position (GRCh38, 1-based): chr4:83,269,946, C>G on the plus strand (G>C on the coding strand, the complement: COQ2 is on the minus strand). VCF-style: chr4-83269946-C-G. GRCh37 (hg19) VCF-style: chr4-84191099-C-G.
Other names: c.826G>C, p.Gly276Arg (NM_015697.9); short protein forms G226R, G276R.
Identifiers: ClinVar variation 1971171 (VCV001971171.5), dbSNP rs553681443, ClinGen allele CA357229775.
Genomic context (GRCh38, chr4:83,269,946, plus strand): 5'-TTAGTGTCCACATAACTCCAGAAAAATAAAGAGGCAGGCAAACAGATGGATCACAGGAAC[C>G]CTTGATAGCAGACCATCCAAGTAACGCTCCCCAATTAAATGTCAAGCCTACAATTAGCAA-3'
Protein context (NP_001345850.1, residues 216-236): GALLGWSAIK[Gly226Arg]SCDPSVCLPL

ClinVar aggregate classification (germline): Uncertain significance (1 of 4 stars; one submission).

gnomAD v4.1: 2 of 1,613,422 alleles (0.00012%); highest among the groups gnomAD compares: African/African-American, 0.0027%; no homozygotes.

Submission:

Labcorp Genetics (formerly Invitae), Labcorp
Classification: Uncertain significance. Last evaluated: 2022-04-23. Review status: criteria provided, single submitter. Criteria: Invitae Variant Classification Sherloc (09022015). Collection method: clinical testing. Allele origin: germline.
Comment: In summary, the available evidence is currently insufficient to determine the role of this variant in disease. Therefore, it has been classified as a Variant of Uncertain Significance. Algorithms developed to predict the effect of missense changes on protein structure and function (SIFT, PolyPhen-2, Align-GVGD) all suggest that this variant is likely to be disruptive. This variant has not been reported in the literature in individuals affected with COQ2-related conditions. This variant is not present in population databases (gnomAD no frequency). This sequence change replaces glycine, which is neutral and non-polar, with arginine, which is basic and polar, at codon 276 of the COQ2 protein (p.Gly276Arg).